The following is an entry in ClinVar:

ClinVar aggregate classification (germline): Uncertain significance (1 of 4 stars; one submission).

Conditions:
Dystonia 5 (DRD). Also called: DYT-GCH1; DYSTONIA, PROGRESSIVE, WITH DIURNAL VARIATION; DYSTONIA-PARKINSONISM WITH DIURNAL FLUCTUATION; GTP Cyclohydrolase 1-Deficient Dopa-Responsive Dystonia; Dystonia, DOPA-responsive, with or without hyperphenylalaninemia. Identifiers: Orphanet 98808, MedGen C1851920, MONDO:0007495, OMIM 128230.

Submission:

3billion
Classification: Uncertain significance for Dystonia 5. Last evaluated: 2024-08-28. Review status: criteria provided, single submitter. Criteria: ACMG Guidelines, 2015. Collection method: clinical testing. Allele origin: germline. Affected: yes.
Comment: The variant is not observed in the gnomAD v4.0.0 dataset. Predicted Consequence/Location: 3' UTR variant In silico tools predict the variant to alter splicing and produce an abnormal transcript [SpliceAI: 0.40 (spliceogenicity >=0.2, non-spliceogenicity <0.1)]. Therefore, this variant is classified as VUS according to the recommendation of ACMG/AMP guideline.

NM_000161.3(GCH1):c.*139T>G

Gene: GCH1 (GTP cyclohydrolase 1; minus strand). Cytogenetic location: 14q22.2.
Variant type: single nucleotide variant.
Coding change: c.*139T>G on transcript NM_000161.3 (MANE Select); 139 bases downstream of the stop codon, T replaced by G.
Molecular consequence: 3 prime UTR variant. On other transcripts: intron variant (4).
Genome position (GRCh38, 1-based): chr14:54,843,878, A>C on the plus strand (T>G on the coding strand, the complement: GCH1 is on the minus strand). VCF-style: chr14-54843878-A-C. GRCh37 (hg19) VCF-style: chr14-55310596-A-C.
Other names: c.*139T>G (NM_001424105.1); c.510-824T>G (NM_001424104.1); c.627-824T>G (NM_001024071.2); c.627-9T>G (NM_001024070.2); c.*16+123T>G (NM_001024024.2).
Identifiers: ClinVar variation 4293521 (VCV004293521.1).
Genomic context (GRCh38, chr14:54,843,878, plus strand): 5'-GTGGCAAGAAGAAAGTAGAGGGCTCAACCCTTTATTATATTTATTTGACTTCCTAGAAAT[A>C]ATTTTAAATATAATTAGTGACAAGGAATAAAGTTCACATCTGTAACAATTGAAAATGGAA-3'